The following is an entry in ClinVar:

ClinVar aggregate classification (germline): Benign. Review status: criteria provided, multiple submitters, no conflicts (2 of 4 stars). 2 submissions from 2 submitters: Benign (2). Last evaluated 2018-06-14.

Allele frequency attached by ClinVar (database versions not stated): 1000 Genomes Project 30x 0.64725; TOPMed 0.65253; 1000 Genomes Project 0.65296; gnomAD 0.65551 and 0.65814.
gnomAD v4.1: 995,108 of 1,424,552 alleles (70%); highest among the groups gnomAD compares: East Asian, 81%; 350,615 homozygotes.

Submissions (2):

GeneDx
Classification: Benign. Last evaluated: 2018-06-14. Review status: criteria provided, single submitter. Criteria: GeneDx Variant Classification (06012015). Collection method: clinical testing. Allele origin: germline. Affected: yes.
Comment: This variant is considered likely benign or benign based on one or more of the following criteria: it is a conservative change, it occurs at a poorly conserved position in the protein, it is predicted to be benign by multiple in silico algorithms, and/or has population frequency not consistent with disease.

Breakthrough Genomics
Classification: Benign. Review status: criteria provided, single submitter. Criteria: ACMG Guidelines, 2015. Collection method: not provided. Allele origin: germline. Inheritance: Autosomal recessive inheritance. Affected: yes.

NM_002615.7(SERPINF1):c.643+82T>C

Gene: SERPINF1 (serpin family F member 1; plus strand). Cytogenetic location: 17p13.3.
Variant type: single nucleotide variant.
Coding change: c.643+82T>C on transcript NM_002615.7 (MANE Select); 82 bases into the intron after coding-DNA position 643, T replaced by C.
Molecular consequence: intron variant.
Genome position (GRCh38, 1-based): chr17:1,772,157, T>C. VCF-style: chr17-1772157-T-C. GRCh37 (hg19) VCF-style: chr17-1675451-T-C.
Other names: c.82+82T>C (NM_001329904.2, NM_001329905.2); c.643+82T>C (NM_001329903.2).
Identifiers: ClinVar variation 674945 (VCV000674945.2), dbSNP rs5008943, ClinGen allele CA14392906.